The following is an entry in ClinVar:

NM_001330260.2(SCN8A):c.993-90_993-50del

Gene: SCN8A (sodium voltage-gated channel alpha subunit 8; plus strand). Cytogenetic location: 12q13.13.
Variant type: Deletion.
Coding change: c.993-90_993-50del on transcript NM_001330260.2 (MANE Select); 90 bases into the intron before coding-DNA position 993 through 50 bases into the intron before coding-DNA position 993, 41 bases deleted.
Molecular consequence: intron variant.
Genome position (GRCh38, 1-based): chr12:51,702,683-51,702,723, 41 bases deleted; deleting any 41 consecutive bases within chr12:51,702,657-51,702,723 gives the same sequence; the c. name uses the placement nearest the transcript's 3' end. GRCh37 (hg19): chr12:52,096,467-52,096,507.
Other names: c.993-90_993-50del (NM_014191.4, NM_001177984.3, NM_001369788.1).
Identifiers: ClinVar variation 675557 (VCV000675557.1), dbSNP rs56947442, ClinGen allele CA236263197.

ClinVar aggregate classification (germline): Benign (1 of 4 stars; one submission).

Submission:

GeneDx
Classification: Benign. Last evaluated: 2018-06-19. Review status: criteria provided, single submitter. Criteria: GeneDx Variant Classification (06012015). Collection method: clinical testing. Allele origin: germline. Affected: yes.
Comment: This variant is considered likely benign or benign based on one or more of the following criteria: it is a conservative change, it occurs at a poorly conserved position in the protein, it is predicted to be benign by multiple in silico algorithms, and/or has population frequency not consistent with disease.